The following is an entry in ClinVar:

NM_000482.4(APOA4):c.1058C>T (p.Ser353Phe)

Gene: APOA4 (apolipoprotein A4; minus strand). Cytogenetic location: 11q23.3.
Variant type: single nucleotide variant.
Coding change: c.1058C>T on transcript NM_000482.4 (MANE Select); coding-DNA position 1058, C replaced by T.
Protein change: p.Ser353Phe; replaces serine 353 with phenylalanine.
Molecular consequence: missense variant.
Genome position (GRCh38, 1-based): chr11:116,821,000, G>A on the plus strand (C>T on the coding strand, the complement: APOA4 is on the minus strand). VCF-style: chr11-116821000-G-A. GRCh37 (hg19) VCF-style: chr11-116691716-G-A.
Other names: short protein forms S353F.
Identifiers: ClinVar variation 3714373 (VCV003714373.2).

ClinVar aggregate classification (germline): Uncertain significance (1 of 4 stars; one submission).

Submission:

Labcorp Genetics (formerly Invitae), Labcorp
Classification: Uncertain significance. Last evaluated: 2025-10-14. Review status: criteria provided, single submitter. Criteria: Invitae Variant Classification Sherloc (09022015). Collection method: clinical testing. Allele origin: germline.
Comment: This sequence change replaces serine, which is neutral and polar, with phenylalanine, which is neutral and non-polar, at codon 353 of the APOA4 protein (p.Ser353Phe). This variant is present in population databases (rs747488895, gnomAD 0.005%). This variant has not been reported in the literature in individuals affected with APOA4-related conditions. ClinVar contains an entry for this variant (Variation ID: 3714373). Invitae Evidence Modeling of protein sequence and biophysical properties (such as structural, functional, and spatial information, amino acid conservation, physicochemical variation, residue mobility, and thermodynamic stability) indicates that this missense variant is expected to disrupt APOA4 protein function with a positive predictive value of 80%. In summary, the available evidence is currently insufficient to determine the role of this variant in disease. Therefore, it has been classified as a Variant of Uncertain Significance.